The following is an entry in ClinVar:

NM_000552.5(VWF):c.3222+2dup

Gene: VWF (von Willebrand factor; minus strand). Cytogenetic location: 12p13.31.
Variant type: Duplication.
Coding change: c.3222+2dup on transcript NM_000552.5 (MANE Select); the canonical splice donor site of the intron after coding-DNA position 3222, one base duplicated (T; older notation c.3222+2dupT).
Molecular consequence: splice donor variant.
Genome position (GRCh38, 1-based): chr12:6,025,578, A duplicated on the plus strand (T on the coding strand, the reverse complement: VWF is on the minus strand). VCF-style (leftmost placement, unchanged base first): chr12-6025577-C-CA. GRCh37 (hg19) VCF-style: chr12-6134743-C-CA.
Identifiers: ClinVar variation 1065297 (VCV001065297.3), dbSNP rs2136420405, ClinGen allele CA1139655391.

ClinVar aggregate classification (germline): Uncertain significance (0 of 4 stars; one submission).

Conditions:
von Willebrand disease type 3 (VWD3). Also called: Type 3 Von Willebrand's disease; Type 3 VWD; Von Willebrand disease, severe form; V WD3; VON WILLEBRAND DISEASE, TYPE III. Identifiers: Orphanet 166096, MedGen C1264041, MONDO:0010191, OMIM 277480.

Submission:

Angelo Bianchi Bonomi Hemophilia and Thrombosis Center, Fondazione IRCCS Ca Granda Ospedale Maggiore Policlinico
Classification: Uncertain significance for von Willebrand disease type 3. Last evaluated: 2020-11-01. Review status: no assertion criteria provided. Collection method: clinical testing. Allele origin: germline. Affected: yes. Study: Type 3 Von Willebrand International Registries Inhibitor Prospective Study (3WINTERS-IPS).
Comment: ClinGen Pathogenicity Calculator